The following is an entry in ClinVar:

ClinVar aggregate classification (germline): Likely pathogenic (1 of 4 stars; one submission).

Conditions:
Hereditary spastic paraplegia 15 (SPG15). Also called: SPASTIC PARAPLEGIA 15, AUTOSOMAL RECESSIVE; KJELLIN SYNDROME; SPASTIC PARAPLEGIA AND RETINAL DEGENERATION. Identifiers: Orphanet 100996, MedGen C1849128, MONDO:0010044, OMIM 270700.

Submission:

Myriad Genetics, Inc.
Classification: Likely pathogenic for Hereditary spastic paraplegia 15. Last evaluated: 2022-04-02. Review status: criteria provided, single submitter. Criteria: Myriad Women's Health Autosomal Recessive and X-Linked Classification Criteria (2021). Collection method: clinical testing. Allele origin: unknown.
Comment: NM_015346.3(ZFYVE26):c.6713T>A(L2238*) is expected to be pathogenic in the context of spastic paraplegia type 15. This variant is predicted to lead to an abnormal or absent protein product due to the creation of a premature termination codon in ZFYVE26, a gene where loss-of-function variants are known to be pathogenic. Please note: this variant was assessed in the context of healthy population screening.

NM_015346.4(ZFYVE26):c.6713T>A (p.Leu2238Ter)

Gene: ZFYVE26 (zinc finger FYVE-type containing 26; minus strand). Cytogenetic location: 14q24.1.
Variant type: single nucleotide variant.
Coding change: c.6713T>A on transcript NM_015346.4 (MANE Select); coding-DNA position 6713, T replaced by A.
Protein change: p.Leu2238Ter; replaces leucine 2238 with a stop codon.
Molecular consequence: nonsense.
Genome position (GRCh38, 1-based): chr14:67,756,021, A>T on the plus strand (T>A on the coding strand, the complement: ZFYVE26 is on the minus strand). VCF-style: chr14-67756021-A-T. GRCh37 (hg19) VCF-style: chr14-68222738-A-T.
Other names: short protein forms L2238*.
Identifiers: ClinVar variation 1725838 (VCV001725838.2), dbSNP rs2503944394, ClinGen allele CA390161542.